The following is an entry in ClinVar:

NM_004304.5(ALK):c.350C>A (p.Pro117Gln)

Gene: ALK (ALK receptor tyrosine kinase; minus strand). Cytogenetic location: 2p23.1.
Variant type: single nucleotide variant.
Coding change: c.350C>A on transcript NM_004304.5 (MANE Select); coding-DNA position 350, C replaced by A.
Protein change: p.Pro117Gln; replaces proline 117 with glutamine.
Molecular consequence: missense variant.
Genome position (GRCh38, 1-based): chr2:29,920,310, G>T on the plus strand (C>A on the coding strand, the complement: ALK is on the minus strand). VCF-style: chr2-29920310-G-T. GRCh37 (hg19) VCF-style: chr2-30143176-G-T.
Other names: c.350C>A (NM_004304.4); short protein forms P117Q.
Identifiers: ClinVar variation 3683976 (VCV003683976.3).

ClinVar aggregate classification (germline): Uncertain significance. Review status: criteria provided, multiple submitters, no conflicts (2 of 4 stars). 2 submissions from 2 submitters: Uncertain significance (2). Last evaluated 2025-06-11.

Conditions:
Neuroblastoma, susceptibility to, 3. Also called: ALK-Related Neuroblastic Tumor Susceptibility. Identifiers: Orphanet 635, MedGen C2751681, MONDO:0013083, OMIM 613014.
Hereditary cancer-predisposing syndrome. Also called: Tumor predisposition; Hereditary neoplastic syndrome; Hereditary Cancer Syndrome; Neoplastic Syndromes, Hereditary. Identifiers: Orphanet 140162, MedGen C0027672, MeSH D009386, MONDO:0015356.

gnomAD v4.1: 2 of 1,559,256 alleles (0.00013%); highest among the groups gnomAD compares: Non-Finnish European, 0.00017%; no homozygotes.

Submissions (2):

Ambry Genetics
Classification: Uncertain significance for Hereditary cancer-predisposing syndrome. Last evaluated: 2025-06-11. Review status: criteria provided, single submitter. Criteria: Ambry Variant Classification Scheme 2023. Collection method: clinical testing. Allele origin: germline.
Comment: The p.P117Q variant (also known as c.350C>A), located in coding exon 1 of the ALK gene, results from a C to A substitution at nucleotide position 350. The proline at codon 117 is replaced by glutamine, an amino acid with similar properties. This amino acid position is well conserved in available vertebrate species. In addition, this alteration is predicted to be tolerated by in silico analysis. Based on the available evidence, the clinical significance of this variant remains unclear.

Labcorp Genetics (formerly Invitae), Labcorp
Classification: Uncertain significance for Neuroblastoma, susceptibility to, 3. Last evaluated: 2024-11-27. Review status: criteria provided, single submitter. Criteria: Invitae Variant Classification Sherloc (09022015). Collection method: clinical testing. Allele origin: germline.
Comment: This sequence change replaces proline, which is neutral and non-polar, with glutamine, which is neutral and polar, at codon 117 of the ALK protein (p.Pro117Gln). This variant is not present in population databases (gnomAD no frequency). This variant has not been reported in the literature in individuals affected with ALK-related conditions. An algorithm developed to predict the effect of missense changes on protein structure and function (PolyPhen-2) suggests that this variant is likely to be tolerated. In summary, the available evidence is currently insufficient to determine the role of this variant in disease. Therefore, it has been classified as a Variant of Uncertain Significance.